The following is an entry in ClinVar:

NM_144670.6(A2ML1):c.4218T>A (p.Asp1406Glu)

Gene: A2ML1 (alpha-2-macroglobulin like 1; plus strand). Cytogenetic location: 12p13.31.
Variant type: single nucleotide variant.
Coding change: c.4218T>A on transcript NM_144670.6 (MANE Select); coding-DNA position 4218, T replaced by A.
Protein change: p.Asp1406Glu; replaces aspartic acid 1406 with glutamic acid.
Molecular consequence: missense variant.
Genome position (GRCh38, 1-based): chr12:8,869,200, T>A. VCF-style: chr12-8869200-T-A. GRCh37 (hg19) VCF-style: chr12-9021796-T-A.
Other names: c.4218T>A (NM_144670.5, NM_144670.3); c.2745T>A, p.Asp915Glu (NM_001282424.3); short protein forms D1406E, D915E.
Identifiers: ClinVar variation 2058510 (VCV002058510.6), dbSNP rs770241678, ClinGen allele CA6436626.

ClinVar aggregate classification (germline): Conflicting classifications of pathogenicity. Review status: criteria provided, conflicting classifications (1 of 4 stars). 3 submissions from 3 submitters: Uncertain significance (2); Likely benign (1). Last evaluated 2025-08-07.

Conditions:
A2ML1-related disorder. Also called: A2ML1-related condition.

Allele frequency attached by ClinVar (database versions not stated): ExAC 0.00002; TOPMed 0.00002; gnomAD exomes 0.00006.
gnomAD v4.1: 81 of 1,613,862 alleles (0.005%); highest among the groups gnomAD compares: Non-Finnish European, 0.0068%; no homozygotes.

Submissions (3):

PreventionGenetics, part of Exact Sciences
Classification: Uncertain significance for A2ML1-related condition. Last evaluated: 2025-08-07. Review status: criteria provided, single submitter. Criteria: ACMG Guidelines, 2015. Collection method: clinical testing. Allele origin: germline.
Comment: The A2ML1 c.4218T>A variant is predicted to result in the amino acid substitution p.Asp1406Glu. To our knowledge, this variant has not been reported in the literature. This variant is reported in 0.0047% of alleles in individuals of European (Non-Finnish) descent in gnomAD. At this time, the clinical significance of this variant is uncertain due to the absence of conclusive functional and genetic evidence.

Labcorp Genetics (formerly Invitae), Labcorp
Classification: Uncertain significance. Last evaluated: 2025-06-11. Review status: criteria provided, single submitter. Criteria: Invitae Variant Classification Sherloc (09022015). Collection method: clinical testing. Allele origin: germline.
Comment: This sequence change replaces aspartic acid, which is acidic and polar, with glutamic acid, which is acidic and polar, at codon 1406 of the A2ML1 protein (p.Asp1406Glu). This variant is present in population databases (rs770241678, gnomAD 0.005%). This variant has not been reported in the literature in individuals affected with A2ML1-related conditions. ClinVar contains an entry for this variant (Variation ID: 2058510). An algorithm developed to predict the effect of missense changes on protein structure and function outputs the following: PolyPhen-2: "Benign". The glutamic acid amino acid residue is found in multiple mammalian species, which suggests that this missense change does not adversely affect protein function. In summary, the available evidence is currently insufficient to determine the role of this variant in disease. Therefore, it has been classified as a Variant of Uncertain Significance.

Ambry Genetics
Classification: Likely benign. Last evaluated: 2024-03-28. Review status: criteria provided, single submitter. Criteria: Ambry Variant Classification Scheme 2023. Collection method: clinical testing. Allele origin: germline.